The following is an entry in ClinVar:

NM_003001.5(SDHC):c.400C>T (p.His134Tyr)

Gene: SDHC (succinate dehydrogenase complex subunit C; plus strand). Cytogenetic location: 1q23.3.
Variant type: single nucleotide variant.
Coding change: c.400C>T on transcript NM_003001.5 (MANE Select); coding-DNA position 400, C replaced by T.
Protein change: p.His134Tyr; replaces histidine 134 with tyrosine.
Molecular consequence: missense variant. On other transcripts: non-coding transcript variant (1), intron variant (3).
Genome position (GRCh38, 1-based): chr1:161,356,835, C>T. VCF-style: chr1-161356835-C-T. GRCh37 (hg19) VCF-style: chr1-161326625-C-T.
Other names: c.298C>T, p.His100Tyr (NM_001035512.3); c.241C>T, p.His81Tyr (NM_001035513.3); c.520C>T, p.His174Tyr (NM_001407115.1); c.343C>T, p.His115Tyr (NM_001407116.1); c.337C>T, p.His113Tyr (NM_001407117.1); c.292C>T, p.His98Tyr (NM_001407118.1); c.289C>T, p.His97Tyr (NM_001407119.1, NM_001407120.1); c.242-5494C>T (NM_001035511.3); and 2 more; short protein forms H100Y, H98Y, H174Y, H81Y, H115Y, H134Y, H113Y, H97Y.
Identifiers: ClinVar variation 4161259 (VCV004161259.1).

ClinVar aggregate classification (germline): Uncertain significance (1 of 4 stars; one submission).

Conditions:
Hereditary cancer-predisposing syndrome. Also called: Neoplastic Syndromes, Hereditary; Tumor predisposition; Hereditary Cancer Syndrome; Hereditary neoplastic syndrome. Identifiers: Orphanet 140162, MedGen C0027672, MeSH D009386, MONDO:0015356.

Submission:

Ambry Genetics
Classification: Uncertain significance for Hereditary cancer-predisposing syndrome. Last evaluated: 2025-08-19. Review status: criteria provided, single submitter. Criteria: Ambry Variant Classification Scheme 2023. Collection method: clinical testing. Allele origin: germline.
Comment: The p.H134Y variant (also known as c.400C>T), located in coding exon 5 of the SDHC gene, results from a C to T substitution at nucleotide position 400. The histidine at codon 134 is replaced by tyrosine, an amino acid with similar properties. This amino acid position is highly conserved in available vertebrate species. In addition, this alteration is predicted to be deleterious by in silico analysis. Based on the available evidence, the clinical significance of this variant remains unclear.